The following is an entry in ClinVar:

NM_015311.3(OBSL1):c.4005C>T (p.Asp1335=)

Gene: OBSL1 (obscurin like cytoskeletal adaptor 1; minus strand). Cytogenetic location: 2q35.
Variant type: single nucleotide variant.
Coding change: c.4005C>T on transcript NM_015311.3 (MANE Select); coding-DNA position 4005, C replaced by T.
Protein change: p.Asp1335=; no amino-acid change (aspartic acid 1335 retained).
Molecular consequence: synonymous variant.
Genome position (GRCh38, 1-based): chr2:219,557,404, G>A on the plus strand (C>T on the coding strand, the complement: OBSL1 is on the minus strand). VCF-style: chr2-219557404-G-A. GRCh37 (hg19) VCF-style: chr2-220422126-G-A.
Other names: c.4005C>T, p.Asp1335= (NM_001173431.2).
Identifiers: ClinVar variation 284425 (VCV000284425.39), dbSNP rs375716830, ClinGen allele CA2130696.

ClinVar aggregate classification (germline): Benign/Likely benign. Review status: criteria provided, multiple submitters, no conflicts (2 of 4 stars). 8 submissions from 8 submitters: Benign (2); Likely benign (5). 1 of the submissions does not count toward it. Last evaluated 2026-05-12.

Conditions:
OBSL1-related disorder. Also called: OBSL1-related condition.
3M syndrome 2. Also called: 3-M Syndrome, OBSL1-Related; THREE M SYNDROME 2. Identifiers: Orphanet 2616, MedGen C2752041, MONDO:0013039, OMIM 612921.

Allele frequency attached by ClinVar (database versions not stated): 1000 Genomes Project 0.00120; 1000 Genomes Project 30x 0.00125; TOPMed 0.00271; ESP Exome Variant Server 0.00293.
gnomAD v4.1: 6,384 of 1,547,198 alleles (0.41%); highest among the groups gnomAD compares: Non-Finnish European, 0.52%; 18 homozygotes.

Submissions (8):

Women's Health and Genetics/Laboratory Corporation of America, LabCorp
Classification: Benign. Last evaluated: 2026-05-12. Review status: criteria provided, single submitter. Criteria: LabCorp Variant Classification Summary - May 2015. Collection method: clinical testing. Allele origin: germline.

Labcorp Genetics (formerly Invitae), Labcorp
Classification: Benign. Last evaluated: 2026-01-25. Review status: criteria provided, single submitter. Criteria: Invitae Variant Classification Sherloc (09022015). Collection method: clinical testing. Allele origin: germline.

Blueprint Genetics
Classification: Likely benign. Last evaluated: 2024-11-20. Review status: criteria provided, single submitter. Criteria: ACMG Guidelines, 2015. Collection method: clinical testing. Allele origin: germline.

CeGaT Center for Human Genetics Tuebingen
Classification: Likely benign. Last evaluated: 2024-08-01. Review status: criteria provided, single submitter. Criteria: CeGaT Center For Human Genetics Tuebingen Variant Classification Criteria Version 2. Collection method: clinical testing. Allele origin: germline. Affected: yes. Observed: 1 variant allele.
Comment: OBSL1: BP4, BP7, BS2

Illumina Laboratory Services, Illumina
Classification: Likely benign for 3M syndrome 2. Last evaluated: 2018-01-13. Review status: criteria provided, single submitter. Criteria: ICSL Variant Classification Criteria 13 December 2019. Collection method: clinical testing. Allele origin: germline.
Comment: This variant was observed in the ICSL laboratory as part of a predisposition screen in an ostensibly healthy population. It had not been previously curated by ICSL or reported in the Human Gene Mutation Database (HGMD: prior to June 1st, 2018), and was therefore a candidate for classification through an automated scoring system. Utilizing variant allele frequency, disease prevalence and penetrance estimates, and inheritance mode, an automated score was calculated to assess if this variant is too frequent to cause the disease. Based on the score and internal cut-off values, a variant classified as likely benign is not then subjected to further curation. The score for this variant resulted in a classification of likely benign for this disease.

Eurofins Ntd Llc (ga)
Classification: Likely benign. Last evaluated: 2015-11-12. Review status: criteria provided, single submitter. Criteria: EGL Classification Definitions 2015. Collection method: clinical testing. Allele origin: germline. Observed: 1 variant allele, 1 heterozygote.

Breakthrough Genomics
Classification: Likely benign. Review status: criteria provided, single submitter. Criteria: ACMG Guidelines, 2015. Collection method: not provided. Allele origin: germline. Inheritance: Autosomal recessive inheritance. Affected: yes.

PreventionGenetics, part of Exact Sciences
Classification: Likely benign for OBSL1-related condition. Last evaluated: 2019-10-01. Review status: no assertion criteria provided. Collection method: clinical testing. Allele origin: germline. Not counted in ClinVar's aggregate classification.
Comment: This variant is classified as likely benign based on ACMG/AMP sequence variant interpretation guidelines (Richards et al. 2015 PMID: 25741868, with internal and published modifications).